The following is an entry in ClinVar:

NM_024009.3(GJB3):c.793C>T (p.Pro265Ser)

Gene: GJB3 (gap junction protein beta 3; plus strand). Cytogenetic location: 1p34.3.
Variant type: single nucleotide variant.
Coding change: c.793C>T on transcript NM_024009.3 (MANE Select); coding-DNA position 793, C replaced by T.
Protein change: p.Pro265Ser; replaces proline 265 with serine.
Molecular consequence: missense variant.
Genome position (GRCh38, 1-based): chr1:34,785,555, C>T. VCF-style: chr1-34785555-C-T. GRCh37 (hg19) VCF-style: chr1-35251156-C-T.
Other names: c.793C>T, p.Pro265Ser (NM_001005752.2); short protein forms P265S.
Identifiers: ClinVar variation 4529759 (VCV004529759.1).

ClinVar aggregate classification (germline): Uncertain significance (1 of 4 stars; one submission).

gnomAD v4.1: 10 of 1,613,990 alleles (0.00062%); highest among the groups gnomAD compares: Admixed American, 0.005%; no homozygotes.

Submission:

GeneDx
Classification: Uncertain significance. Last evaluated: 2025-05-13. Review status: criteria provided, single submitter. Criteria: GeneDx Variant Classification Process June 2021. Collection method: clinical testing. Allele origin: germline. Affected: yes.
Comment: In silico analysis suggests that this missense variant does not alter protein structure/function; Has not been previously published as pathogenic or benign to our knowledge